The following is an entry in ClinVar:

NM_001199397.3(NEK1):c.1562+20T>G

Gene: NEK1 (NIMA related kinase 1; minus strand). Cytogenetic location: 4q33.
Variant type: single nucleotide variant.
Coding change: c.1562+20T>G on transcript NM_001199397.3 (MANE Select); 20 bases into the intron after coding-DNA position 1562, T replaced by G.
Molecular consequence: intron variant. On other transcripts: non-coding transcript variant (1).
Genome position (GRCh38, 1-based): chr4:169,555,700, A>C on the plus strand (T>G on the coding strand, the complement: NEK1 is on the minus strand). VCF-style: chr4-169555700-A-C. GRCh37 (hg19) VCF-style: chr4-170476851-A-C.
Other names: c.1436+20T>G (NM_001374421.1); c.1511+20T>G (NM_001374420.1); c.1355+232T>G (NM_001199399.3); c.1430+232T>G (NM_001199398.3, NM_001199400.3); c.1562+20T>G (NM_001374419.1, NM_012224.4, NM_001374418.1).
Identifiers: ClinVar variation 1465281 (VCV001465281.8), dbSNP rs2149908317, ClinGen allele CA2573138125.

ClinVar aggregate classification (germline): Uncertain significance (1 of 4 stars; one submission).

Conditions:
Short-rib thoracic dysplasia 6 with or without polydactyly (SRTD6). Also called: POLYDACTYLY WITH NEONATAL CHONDRODYSTROPHY, TYPE II; Majewski Syndrome; SHORT RIB-POLYDACTYLY SYNDROME, TYPE IIA; SHORT-RIB THORACIC DYSPLASIA 6 WITH POLYDACTYLY; SHORT-RIB THORACIC DYSPLASIA 6 WITHOUT POLYDACTYLY. Identifiers: MedGen C0024507, MONDO:0009894, OMIM 263520.

Submission:

Labcorp Genetics (formerly Invitae), Labcorp
Classification: Uncertain significance for Short-rib thoracic dysplasia 6 with or without polydactyly. Last evaluated: 2022-07-05. Review status: criteria provided, single submitter. Criteria: Invitae Variant Classification Sherloc (09022015). Collection method: clinical testing. Allele origin: germline.
Comment: This sequence change falls in intron 17 of the NEK1 gene. It does not directly change the encoded amino acid sequence of the NEK1 protein. In summary, the available evidence is currently insufficient to determine the role of this variant in disease. Therefore, it has been classified as a Variant of Uncertain Significance. Algorithms developed to predict the effect of sequence changes on RNA splicing suggest that this variant may create or strengthen a splice site. ClinVar contains an entry for this variant (Variation ID: 1465281). This variant has not been reported in the literature in individuals affected with NEK1-related conditions. This variant is not present in population databases (gnomAD no frequency).